The following is an entry in ClinVar:

NM_001134831.2(AHI1):c.2237T>C (p.Phe746Ser)

Gene: AHI1 (Abelson helper integration site 1; minus strand). Cytogenetic location: 6q23.3.
Variant type: single nucleotide variant.
Coding change: c.2237T>C on transcript NM_001134831.2 (MANE Select); coding-DNA position 2237, T replaced by C.
Protein change: p.Phe746Ser; replaces phenylalanine 746 with serine.
Molecular consequence: missense variant.
Genome position (GRCh38, 1-based): chr6:135,433,056, A>G on the plus strand (T>C on the coding strand, the complement: AHI1 is on the minus strand). VCF-style: chr6-135433056-A-G. GRCh37 (hg19) VCF-style: chr6-135754194-A-G.
Other names: c.2237T>C, p.Phe746Ser (NM_001134830.2, NM_001134832.2, NM_001350503.2 and 2 more transcripts); short protein forms F746S.
Identifiers: ClinVar variation 1502616 (VCV001502616.6), dbSNP rs1403041060, ClinGen allele CA365743414.

ClinVar aggregate classification (germline): Uncertain significance (1 of 4 stars; one submission).

Conditions:
Joubert syndrome. Also called: CEREBELLOPARENCHYMAL DISORDER IV; JOUBERT-BOLTSHAUSER SYNDROME; Familial aplasia of the vermis. Identifiers: Orphanet 475, MedGen C5979921, MONDO:0018772.

Allele frequency attached by ClinVar (database versions not stated): gnomAD 0.00001.
gnomAD v4.1: 4 of 1,613,132 alleles (0.00025%); highest among the groups gnomAD compares: East Asian, 0.0022%; no homozygotes.

Submission:

Labcorp Genetics (formerly Invitae), Labcorp
Classification: Uncertain significance for Joubert syndrome. Last evaluated: 2021-10-29. Review status: criteria provided, single submitter. Criteria: Invitae Variant Classification Sherloc (09022015). Collection method: clinical testing. Allele origin: germline.
Comment: This variant is present in population databases (no rsID available, gnomAD 0.007%). This sequence change replaces phenylalanine, which is neutral and non-polar, with serine, which is neutral and polar, at codon 746 of the AHI1 protein (p.Phe746Ser). In summary, the available evidence is currently insufficient to determine the role of this variant in disease. Therefore, it has been classified as a Variant of Uncertain Significance. Advanced modeling of protein sequence and biophysical properties (such as structural, functional, and spatial information, amino acid conservation, physicochemical variation, residue mobility, and thermodynamic stability) performed at Invitae indicates that this missense variant is expected to disrupt AHI1 protein function. This variant has not been reported in the literature in individuals affected with AHI1-related conditions.